The following is an entry in ClinVar:

NM_201384.3(PLEC):c.9797A>G (p.Gln3266Arg)

Gene: PLEC (plectin; minus strand). Cytogenetic location: 8q24.3.
Variant type: single nucleotide variant.
Coding change: c.9797A>G on transcript NM_201384.3 (MANE Select); coding-DNA position 9797, A replaced by G.
Protein change: p.Gln3266Arg; replaces glutamine 3266 with arginine.
Molecular consequence: missense variant.
Genome position (GRCh38, 1-based): chr8:143,920,024, T>C on the plus strand (A>G on the coding strand, the complement: PLEC is on the minus strand). VCF-style: chr8-143920024-T-C. GRCh37 (hg19) VCF-style: chr8-144994192-T-C.
Other names: c.9878A>G, p.Gln3293Arg (NM_000445.5); c.9755A>G, p.Gln3252Arg (NM_201378.4); c.9731A>G, p.Gln3244Arg (NM_201379.3); c.10208A>G, p.Gln3403Arg (NM_201380.4); c.9701A>G, p.Gln3234Arg (NM_201381.3); c.9797A>G, p.Gln3266Arg (NM_201382.4); c.9809A>G, p.Gln3270Arg (NM_201383.3); short protein forms Q3234R, Q3252R, Q3270R, Q3244R, Q3266R, Q3293R, Q3403R.
Identifiers: ClinVar variation 956245 (VCV000956245.10), dbSNP rs782277164, ClinGen allele CA4924854.

ClinVar aggregate classification (germline): Uncertain significance (1 of 4 stars; one submission).

Conditions:
Epidermolysis bullosa simplex 5C, with pyloric atresia (EBS5C). Also called: PLEC-Related Epidermolysis Bullosa with Pyloric Atresia; Epidermolysis bullosa simplex with pyloric atresia; PLEC1-Related Epidermolysis Bullosa with Pyloric Atresia. Identifiers: Orphanet 158684, MedGen C2677349, MONDO:0012807, OMIM 612138.
Epidermolysis bullosa simplex 5B, with muscular dystrophy (EBS5B). Also called: Epidermolysis bullosa simplex with muscular dystrophy; EPIDERMOLYSIS BULLOSA SIMPLEX AND LIMB-GIRDLE MUSCULAR DYSTROPHY. Identifiers: Orphanet 257, MedGen C2931072, MONDO:0009181, OMIM 226670.
Epidermolysis bullosa simplex, Ogna type (EBS5A). Also called: Pidermolysis bullosa simplex 5A, Ogna type; EPIDERMOLYSIS BULLOSA SIMPLEX 5A, OGNA TYPE. Identifiers: Orphanet 79401, MedGen C0432317, MONDO:0007555, OMIM 131950.
Autosomal recessive limb-girdle muscular dystrophy type 2Q (LGMDR17). Also called: MUSCULAR DYSTROPHY, LIMB-GIRDLE, AUTOSOMAL RECESSIVE 17. Identifiers: Orphanet 254361, MedGen C3150989, MONDO:0013390, OMIM 613723.
Epidermolysis bullosa simplex with nail dystrophy (EBS5D). Identifiers: MedGen C4225309, MONDO:0014661, OMIM 616487.

Allele frequency attached by ClinVar (database versions not stated): gnomAD exomes below 0.00001 and 0.00001; ExAC 0.00001; gnomAD 0.00001; TOPMed 0.00001.

Submission:

Labcorp Genetics (formerly Invitae), Labcorp
Classification: Uncertain significance for Autosomal recessive limb-girdle muscular dystrophy type 2Q; Epidermolysis bullosa simplex, Ogna type; Epidermolysis bullosa simplex with nail dystrophy; Epidermolysis bullosa simplex 5C, with pyloric atresia; Epidermolysis bullosa simplex 5B, with muscular dystrophy. Last evaluated: 2019-11-13. Review status: criteria provided, single submitter. Criteria: Invitae Variant Classification Sherloc (09022015). Collection method: clinical testing. Allele origin: germline.
Comment: In summary, the available evidence is currently insufficient to determine the role of this variant in disease. Therefore, it has been classified as a Variant of Uncertain Significance. Algorithms developed to predict the effect of missense changes on protein structure and function (SIFT, PolyPhen-2, Align-GVGD) all suggest that this variant is likely to be disruptive, but these predictions have not been confirmed by published functional studies and their clinical significance is uncertain. This variant has not been reported in the literature in individuals with PLEC-related conditions. This variant is present in population databases (rs782277164, ExAC 0.002%). This sequence change replaces glutamine with arginine at codon 3293 of the PLEC protein (p.Gln3293Arg). The glutamine residue is highly conserved and there is a small physicochemical difference between glutamine and arginine.